The following is an entry in ClinVar:

ClinVar aggregate classification (germline): Uncertain significance (1 of 4 stars; one submission).

Conditions:
PCNT-related disorder. Also called: PCNT-related condition.

Submission:

PreventionGenetics, part of Exact Sciences
Classification: Uncertain significance for PCNT-related condition. Last evaluated: 2026-01-04. Review status: criteria provided, single submitter. Criteria: ACMG Guidelines, 2015. Collection method: clinical testing. Allele origin: germline.
Comment: The PCNT c.5606C>G variant is predicted to result in the amino acid substitution p.Thr1869Arg. To our knowledge, this variant has not been reported in the literature or in a large population database (gnomAD), indicating this variant is rare. At this time, the clinical significance of this variant is uncertain due to the absence of conclusive functional and genetic evidence.

NM_006031.6(PCNT):c.5606C>G (p.Thr1869Arg)

Gene: PCNT (pericentrin; plus strand). Cytogenetic location: 21q22.3.
Variant type: single nucleotide variant.
Coding change: c.5606C>G on transcript NM_006031.6 (MANE Select); coding-DNA position 5606, C replaced by G.
Protein change: p.Thr1869Arg; replaces threonine 1869 with arginine.
Molecular consequence: missense variant.
Genome position (GRCh38, 1-based): chr21:46,411,679, C>G. VCF-style: chr21-46411679-C-G. GRCh37 (hg19) VCF-style: chr21-47831593-C-G.
Other names: c.5252C>G, p.Thr1751Arg (NM_001315529.2); short protein forms T1751R, T1869R.
Identifiers: ClinVar variation 4987745 (VCV004987745.1).